The following is an entry in ClinVar:

ClinVar aggregate classification (germline): Uncertain significance. Review status: criteria provided, multiple submitters, no conflicts (2 of 4 stars). 2 submissions from 2 submitters: Uncertain significance (2). Last evaluated 2024-04-09.

Conditions:
Hereditary cancer-predisposing syndrome. Also called: Neoplastic Syndromes, Hereditary; Hereditary neoplastic syndrome; Tumor predisposition; Hereditary Cancer Syndrome. Identifiers: Orphanet 140162, MedGen C0027672, MeSH D009386, MONDO:0015356.
Hirschsprung disease, susceptibility to, 1 (HSCR1). Also called: RET-Related Hirschsprung Disease. Identifiers: Orphanet 388, MedGen C3888239, MONDO:0007723, OMIM 142623.

Allele frequency attached by ClinVar (database versions not stated): gnomAD exomes below 0.00001; TOPMed below 0.00001; gnomAD 0.00001.
gnomAD v4.1: 4 of 1,613,446 alleles (0.00025%); highest among the groups gnomAD compares: Admixed American, 0.0017%; no homozygotes.

Submissions (2):

Ambry Genetics
Classification: Uncertain significance for Hereditary cancer-predisposing syndrome. Last evaluated: 2024-04-09. Review status: criteria provided, single submitter. Criteria: Ambry Variant Classification Scheme 2023. Collection method: clinical testing. Allele origin: germline.
Comment: The p.D898V variant (also known as c.2693A>T), located in coding exon 15 of the RET gene, results from an A to T substitution at nucleotide position 2693. The aspartic acid at codon 898 is replaced by valine, an amino acid with highly dissimilar properties. This amino acid position is highly conserved in available vertebrate species. In addition, this alteration is predicted to be deleterious by in silico analysis. Based on the available evidence, the clinical significance of this variant remains unclear.

Baylor Genetics
Classification: Uncertain significance for Hirschsprung disease, susceptibility to, 1. Last evaluated: 2023-08-07. Review status: criteria provided, single submitter. Criteria: ACMG Guidelines, 2015. Collection method: clinical testing. Allele origin: unknown.

NM_020975.6(RET):c.2693A>T (p.Asp898Val)

Gene: RET (ret proto-oncogene; plus strand). Cytogenetic location: 10q11.21.
Variant type: single nucleotide variant.
Coding change: c.2693A>T on transcript NM_020975.6 (MANE Select); coding-DNA position 2693, A replaced by T.
Protein change: p.Asp898Val; replaces aspartic acid 898 with valine.
Molecular consequence: missense variant.
Genome position (GRCh38, 1-based): chr10:43,120,166, A>T. VCF-style: chr10-43120166-A-T. GRCh37 (hg19) VCF-style: chr10-43615614-A-T.
Other names: c.1508A>T, p.Asp503Val (NM_001406790.1, NM_001406788.1, NM_001406789.1); c.1388A>T, p.Asp463Val (NM_001406791.1); c.1244A>T, p.Asp415Val (NM_001406792.1, NM_001406794.1, NM_001406793.1); c.2693A>T, p.Asp898Val (NM_020629.2, NM_020630.7, NM_000323.2 and 4 more transcripts); c.1931A>T, p.Asp644Val (NM_001355216.2); c.2564A>T, p.Asp855Val (NM_001406761.1, NM_001406762.1, NM_001406764.1); c.2558A>T, p.Asp853Val (NM_001406763.1, NM_001406765.1); c.2405A>T, p.Asp802Val (NM_001406766.1, NM_001406767.1, NM_001406770.1); and 10 more; short protein forms D415V, D463V, D503V, D554V, D556V, D559V, D568V, D599V.
Identifiers: ClinVar variation 2678320 (VCV002678320.2), dbSNP rs1838181540, ClinGen allele CA376557239.